The following is an entry in ClinVar:

ClinVar aggregate classification (germline): Pathogenic. Review status: criteria provided, multiple submitters, no conflicts (2 of 4 stars). 2 submissions from 2 submitters: Pathogenic (2). Last evaluated 2025-10-06.

Conditions:
Hereditary cancer-predisposing syndrome. Also called: Neoplastic Syndromes, Hereditary; Tumor predisposition; Hereditary Cancer Syndrome; Hereditary neoplastic syndrome. Identifiers: Orphanet 140162, MedGen C0027672, MeSH D009386, MONDO:0015356.
Familial adenomatous polyposis 1 (FAP1). Also called: FAMILIAL ADENOMATOUS POLYPOSIS 1, ATTENUATED; POLYPOSIS, ADENOMATOUS INTESTINAL. Identifiers: MedGen C2713442, MONDO:0021056, OMIM 175100. Disease mechanism: loss of function.

Submissions (2):

Institute for Genomic Medicine (IGM) Clinical Laboratory, Nationwide Children's Hospital
Classification: Pathogenic for Familial adenomatous polyposis 1. Last evaluated: 2025-10-06. Review status: criteria provided, single submitter. Criteria: ACMG Guidelines, 2015. Collection method: clinical testing. Allele origin: germline.
Comment: This variant is predicted to result in loss of function through nonsense-mediated decay of the encoded transcript or premature truncation of the encoded protein in a gene in which loss of function is a known mechanism of disease (ACMG/AMP: PVS1). This variant has been reported at an elevated frequency in affected individuals/in multiple affected individuals in the literature (ACMG/AMP: PS4_Supporting; PMIDs:26446593, 21779980). This variant is absent from or present at an exceedingly low frequency in gnomAD, a large-scale control population database (ACMG/AMP: PM2).

Ambry Genetics
Classification: Pathogenic for Hereditary cancer-predisposing syndrome. Last evaluated: 2021-08-31. Review status: criteria provided, single submitter. Criteria: Ambry Variant Classification Scheme 2023. Collection method: clinical testing. Allele origin: germline.
Comment: The p.K580* pathogenic mutation (also known as c.1738A>T), located in coding exon 13 of the APC gene, results from an A to T substitution at nucleotide position 1738. This changes the amino acid from a lysine to a stop codon within coding exon 13. This mutation was detected in two unrelated probands with a clinical diagnosis of Familial Adenomatous Polyposis (FAP)). (Jarry J et al. Fam Cancer, 2011 Dec;10:659-65) (Papp J et al. Fam Cancer, 2016 Jan;15:85-97). This variant is considered to be rare based on population cohorts in the Genome Aggregation Database (gnomAD). In addition to the clinical data presented in the literature, this alteration is expected to result in loss of function by premature protein truncation or nonsense-mediated mRNA decay. As such, this alteration is interpreted as a disease-causing mutation.

Literature cited by the submitters: PubMed 26446593 (cited by Institute for Genomic Medicine (IGM) Clinical Laboratory, Nationwide Children's Hospital and Ambry Genetics); PubMed 21779980 (cited by Institute for Genomic Medicine (IGM) Clinical Laboratory, Nationwide Children's Hospital and Ambry Genetics).

NM_000038.6(APC):c.1738A>T (p.Lys580Ter)

Gene: APC (APC regulator of Wnt signaling pathway; plus strand). Cytogenetic location: 5q22.2.
Variant type: single nucleotide variant.
Coding change: c.1738A>T on transcript NM_000038.6 (MANE Select); coding-DNA position 1738, A replaced by T.
Protein change: p.Lys580Ter; replaces lysine 580 with a stop codon.
Molecular consequence: nonsense.
Genome position (GRCh38, 1-based): chr5:112,828,967, A>T. VCF-style: chr5-112828967-A-T. GRCh37 (hg19) VCF-style: chr5-112164664-A-T.
Other names: c.1738A>T, p.Lys580Ter (NM_001127510.3, NM_001354895.2, NM_001407450.1); c.1684A>T, p.Lys562Ter (NM_001127511.3); c.1792A>T, p.Lys598Ter (NM_001354896.2, NM_001407447.1, NM_001407448.1 and 1 more transcripts); c.1768A>T, p.Lys590Ter (NM_001354897.2); c.1663A>T, p.Lys555Ter (NM_001354898.2); c.1654A>T, p.Lys552Ter (NM_001354899.2); c.1615A>T, p.Lys539Ter (NM_001354900.2); c.1561A>T, p.Lys521Ter (NM_001354901.2, NM_001407453.1); and 11 more; short protein forms K196*, K479*, K489*, K539*, K552*, K555*, K570*, K573*.
Identifiers: ClinVar variation 1779121 (VCV001779121.3), dbSNP rs1429910910, ClinGen allele CA16025112.